The following is an entry in ClinVar:

NM_004960.4(FUS):c.571G>A (p.Gly191Ser)

Gene: FUS (FUS RNA binding protein; plus strand). Cytogenetic location: 16p11.2.
Variant type: single nucleotide variant.
Coding change: c.571G>A on transcript NM_004960.4 (MANE Select); coding-DNA position 571, G replaced by A.
Protein change: p.Gly191Ser; replaces glycine 191 with serine.
Molecular consequence: missense variant. On other transcripts: non-coding transcript variant (1).
Genome position (GRCh38, 1-based): chr16:31,184,986, G>A. VCF-style: chr16-31184986-G-A. GRCh37 (hg19) VCF-style: chr16-31196307-G-A.
Other names: c.568G>A, p.Gly190Ser (NM_001170634.1); c.559G>A, p.Gly187Ser (NM_001170937.1); short protein forms G190S, G187S, G191S.
Identifiers: ClinVar variation 956175 (VCV000956175.8), dbSNP rs148758737, ClinGen allele CA280594678.

ClinVar aggregate classification (germline): Uncertain significance (1 of 4 stars; one submission).

Conditions:
Amyotrophic lateral sclerosis type 6. Also called: FUS-Related Amyotrophic Laterial Sclerosis; Amyotrophic lateral sclerosis 6, with or without frontotemporal dementia; AMYOTROPHIC LATERAL SCLEROSIS 6 WITHOUT FRONTOTEMPORAL DEMENTIA. Identifiers: Orphanet 275872, Orphanet 803, MedGen C2931786, MONDO:0011951, OMIM 608030.
Tremor, hereditary essential, 4 (ETM4). Identifiers: MedGen C3539195, MONDO:0013888, OMIM 614782.

Allele frequency attached by ClinVar (database versions not stated): TOPMed below 0.00001; gnomAD exomes 0.00002; ESP Exome Variant Server 0.00008.

Submission:

Labcorp Genetics (formerly Invitae), Labcorp
Classification: Uncertain significance for Tremor, hereditary essential, 4; Amyotrophic lateral sclerosis type 6. Last evaluated: 2021-11-24. Review status: criteria provided, single submitter. Criteria: Invitae Variant Classification Sherloc (09022015). Collection method: clinical testing. Allele origin: germline.
Comment: This sequence change replaces glycine, which is neutral and non-polar, with serine, which is neutral and polar, at codon 191 of the FUS protein (p.Gly191Ser). This variant is not present in population databases (gnomAD no frequency). This missense change has been observed in individuals with clinical features of amyotrophic lateral sclerosis (PMID: 19861302; Invitae). ClinVar contains an entry for this variant (Variation ID: 956175). Algorithms developed to predict the effect of missense changes on protein structure and function output the following: SIFT: "Tolerated"; PolyPhen-2: "Not Available"; Align-GVGD: "Class C0". The serine amino acid residue is found in multiple mammalian species, which suggests that this missense change does not adversely affect protein function. In summary, the available evidence is currently insufficient to determine the role of this variant in disease. Therefore, it has been classified as a Variant of Uncertain Significance.

Literature cited by the submitters: PubMed 19861302.